The following is an entry in ClinVar:

NC_000007.14:g.50463432del

Gene: DDC (dopa decarboxylase; minus strand). Cytogenetic location: 7p12.2.
Variant type: Deletion.
Genome position: GRCh38 VCF-style: chr7-50463429-AC-A. GRCh37 (hg19) VCF-style: chr7-50531127-AC-A.
Identifiers: ClinVar variation 3727511 (VCV003727511.2).
Genomic context (GRCh38, chr7:50,463,429, plus strand): 5'-CAAGTGGATTTTTTTGGCACTGTTTATTCTTTGCAGAAGAGCTTCATTCACTTTGTTGGA[AC>A]CCTGGAGGGATTGAAAGAGAGGAACTGTGCTCAGGTCTCTGAGGACTCAAAAATCAACTG-3'

ClinVar aggregate classification (germline): Pathogenic (1 of 4 stars; one submission).

Conditions:
Deficiency of aromatic-L-amino-acid decarboxylase. Also called: Aromatic L-Amino Acid Decarboxylase Deficiency; Aromatic amino acid decarboxylase deficiency; AADC DEFICIENCY; DDC DEFICIENCY; DOPA DECARBOXYLASE DEFICIENCY. Identifiers: Orphanet 35708, MedGen C1291564, MONDO:0012084, OMIM 608643.

Submission:

Labcorp Genetics (formerly Invitae), Labcorp
Classification: Pathogenic for Deficiency of aromatic-L-amino-acid decarboxylase. Last evaluated: 2024-12-17. Review status: criteria provided, single submitter. Criteria: Invitae Variant Classification Sherloc (09022015). Collection method: clinical testing. Allele origin: germline.
Comment: This sequence change creates a premature translational stop signal (p.Gly415Valfs*5) in the DDC gene. It is expected to result in an absent or disrupted protein product. Loss-of-function variants in DDC are known to be pathogenic (PMID: 15079002, 24788355). This variant is not present in population databases (gnomAD no frequency). This variant has not been reported in the literature in individuals affected with DDC-related conditions. For these reasons, this variant has been classified as Pathogenic.

Literature cited by the submitters: PubMed 15079002; PubMed 24788355.